The following is an entry in ClinVar:

NM_005378.6(MYCN):c.613G>A (p.Val205Met)

Gene: MYCN (MYCN proto-oncogene, bHLH transcription factor; plus strand). Cytogenetic location: 2p24.3.
Variant type: single nucleotide variant.
Coding change: c.613G>A on transcript NM_005378.6 (MANE Select); coding-DNA position 613, G replaced by A.
Protein change: p.Val205Met; replaces valine 205 with methionine.
Molecular consequence: missense variant. On other transcripts: 3 prime UTR variant (1), intron variant (1).
Genome position (GRCh38, 1-based): chr2:15,942,677, G>A. VCF-style: chr2-15942677-G-A. GRCh37 (hg19) VCF-style: chr2-16082799-G-A.
Other names: c.613G>A, p.Val205Met (NM_001293228.2); c.*548G>A (NM_001293233.2); c.157+1934G>A (NM_001293231.2); c.613G>A (NM_005378.4); short protein forms V205M.
Identifiers: ClinVar variation 2898033 (VCV002898033.6), dbSNP rs753047771, ClinGen allele CA1538200.

ClinVar aggregate classification (germline): Conflicting classifications of pathogenicity. Review status: criteria provided, conflicting classifications (1 of 4 stars). 4 submissions from 4 submitters: Uncertain significance (1); Likely benign (3). Last evaluated 2024-04-12.

Conditions:
Inborn genetic diseases. Identifiers: MedGen C0950123, MeSH D030342.
Feingold syndrome type 1 (FGLDS1). Also called: MICROCEPHALY AND DIGITAL ABNORMALITIES WITH NORMAL INTELLIGENCE; MICROCEPHALY, MENTAL RETARDATION, AND TRACHEOESOPHAGEAL FISTULA SYNDROME; MICROCEPHALY-OCULO-DIGITO-ESOPHAGEAL-DUODENAL SYNDROME; OCULODIGITOESOPHAGODUODENAL SYNDROME; ODED SYNDROME. Identifiers: Orphanet 1305, Orphanet 391641, MedGen C4551774, MONDO:0008115, OMIM 164280.
Megalencephaly-polydactyly syndrome (MPAPA). Identifiers: MedGen C5935591, MONDO:0958279, OMIM 620748.

Allele frequency attached by ClinVar (database versions not stated): TOPMed 0.00004; gnomAD 0.00005; ExAC 0.00013; 1000 Genomes Project 30x 0.00031.

Submissions (4):

Fulgent Genetics
Classification: Likely benign for Feingold syndrome type 1; Megalencephaly-polydactyly syndrome. Last evaluated: 2024-04-12. Review status: criteria provided, single submitter. Criteria: ACMG Guidelines, 2015. Collection method: clinical testing. Allele origin: germline.

Ambry Genetics
Classification: Likely benign for Inborn genetic diseases. Last evaluated: 2023-09-19. Review status: criteria provided, single submitter. Criteria: Ambry Variant Classification Scheme 2023. Collection method: clinical testing. Allele origin: germline.

Labcorp Genetics (formerly Invitae), Labcorp
Classification: Uncertain significance. Last evaluated: 2023-03-24. Review status: criteria provided, single submitter. Criteria: Invitae Variant Classification Sherloc (09022015). Collection method: clinical testing. Allele origin: germline.
Comment: In summary, the available evidence is currently insufficient to determine the role of this variant in disease. Therefore, it has been classified as a Variant of Uncertain Significance. Advanced modeling of protein sequence and biophysical properties (such as structural, functional, and spatial information, amino acid conservation, physicochemical variation, residue mobility, and thermodynamic stability) performed at Invitae indicates that this missense variant is not expected to disrupt MYCN protein function. This variant has not been reported in the literature in individuals affected with MYCN-related conditions. The frequency data for this variant in the population databases is considered unreliable, as metrics indicate poor data quality at this position in the gnomAD database. This sequence change replaces valine, which is neutral and non-polar, with methionine, which is neutral and non-polar, at codon 205 of the MYCN protein (p.Val205Met).

Blueprint Genetics
Classification: Likely benign. Last evaluated: 2022-03-29. Review status: criteria provided, single submitter. Criteria: ACMG Guidelines, 2015. Collection method: clinical testing. Allele origin: germline.